The following is an entry in ClinVar:

ClinVar aggregate classification (germline): Uncertain significance. Review status: criteria provided, multiple submitters, no conflicts (2 of 4 stars). 2 submissions from 2 submitters: Uncertain significance (2). Last evaluated 2023-12-02.

Conditions:
Autosomal dominant polycystic kidney disease. Identifiers: Orphanet 730, MedGen C0085413, MONDO:0004691.

Allele frequency attached by ClinVar (database versions not stated): TOPMed below 0.00001.
gnomAD v4.1: 1 of 1,514,996 alleles (0.000066%); highest among the groups gnomAD compares: Non-Finnish European, 0.000088%; no homozygotes.

Submissions (2):

Labcorp Genetics (formerly Invitae), Labcorp
Classification: Uncertain significance for Autosomal dominant polycystic kidney disease. Last evaluated: 2023-12-02. Review status: criteria provided, single submitter. Criteria: Invitae Variant Classification Sherloc (09022015). Collection method: clinical testing. Allele origin: germline.
Comment: This sequence change replaces alanine, which is neutral and non-polar, with threonine, which is neutral and polar, at codon 86 of the PKD2 protein (p.Ala86Thr). This variant is not present in population databases (gnomAD no frequency). This variant has not been reported in the literature in individuals affected with PKD2-related conditions. ClinVar contains an entry for this variant (Variation ID: 1313310). An algorithm developed to predict the effect of missense changes on protein structure and function (PolyPhen-2) suggests that this variant is likely to be disruptive. In summary, the available evidence is currently insufficient to determine the role of this variant in disease. Therefore, it has been classified as a Variant of Uncertain Significance.

GeneDx
Classification: Uncertain significance. Last evaluated: 2020-01-16. Review status: criteria provided, single submitter. Criteria: GeneDx Variant Classification Process June 2021. Collection method: clinical testing. Allele origin: germline. Affected: yes.
Comment: Not observed in large population cohorts (Lek et al., 2016); In silico analysis, which includes protein predictors and evolutionary conservation, supports that this variant does not alter protein structure/function; Has not been previously published as pathogenic or benign to our knowledge

NM_000297.4(PKD2):c.256G>A (p.Ala86Thr)

Genes: PKD2 (polycystin 2, transient receptor potential cation channel; plus strand), LOC129992813 (ATAC-STARR-seq lymphoblastoid silent region 15559; plus strand). Cytogenetic location: 4q22.1.
Variant type: single nucleotide variant.
Coding change: c.256G>A on transcript NM_000297.4 (MANE Select); coding-DNA position 256, G replaced by A.
Protein change: p.Ala86Thr; replaces alanine 86 with threonine.
Molecular consequence: missense variant. On other transcripts: non-coding transcript variant (1).
Genome position (GRCh38, 1-based): chr4:88,007,989, G>A. VCF-style: chr4-88007989-G-A. GRCh37 (hg19) VCF-style: chr4-88929141-G-A.
Other names: short protein forms A86T.
Identifiers: ClinVar variation 1313310 (VCV001313310.5), dbSNP rs907926148, ClinGen allele CA100873110.